The following is an entry in ClinVar:

NM_000500.9(CYP21A2):c.785T>C (p.Leu262Pro)

Genes: CYP21A2 (cytochrome P450 family 21 subfamily A member 2; plus strand), LOC106780800 (CYP21A2 recombination region; plus strand). Cytogenetic location: 6p21.33.
Variant type: single nucleotide variant.
Coding change: c.785T>C on transcript NM_000500.9 (MANE Select); coding-DNA position 785, T replaced by C.
Protein change: p.Leu262Pro; replaces leucine 262 with proline.
Molecular consequence: missense variant.
Genome position (GRCh38, 1-based): chr6:32,040,051, T>C. VCF-style: chr6-32040051-T-C. GRCh37 (hg19) VCF-style: chr6-32007828-T-C.
Other names: c.695T>C, p.Leu232Pro (NM_001128590.4); c.380T>C, p.Leu127Pro (NM_001368143.2, NM_001368144.2); short protein forms L127P, L232P, L262P.
Identifiers: ClinVar variation 4292357 (VCV004292357.1).

ClinVar aggregate classification (germline): Uncertain significance (1 of 4 stars; one submission).

Conditions:
21-Hydroxylase-Deficient Congenital Adrenal Hyperplasia. Also called: ADRENAL HYPERPLASIA III; ADRENAL HYPERPLASIA, CONGENITAL, DUE TO 21-HYDROXYLASE DEFICIENCY. Identifiers: MedGen C2936858, OMIM 201910.

gnomAD v4.1: 2 of 1,612,680 alleles (0.00012%); highest among the groups gnomAD compares: East Asian, 0.0022%; no homozygotes.

Submission:

3billion
Classification: Uncertain significance for 21-Hydroxylase-Deficient Congenital Adrenal Hyperplasia. Last evaluated: 2024-07-25. Review status: criteria provided, single submitter. Criteria: ACMG Guidelines, 2015. Collection method: clinical testing. Allele origin: germline. Affected: yes.
Comment: The variant is observed at an extremely low frequency in the gnomAD v4.0.0 dataset (total allele frequency: <0.001%). Predicted Consequence/Location: Missense variant In silico tool predictions suggest damaging effect of the variant on gene or gene product [REVEL: 0.83 (>=0.6, sensitivity 0.68 and specificity 0.92); 3Cnet: 0.93 (>=0.6, sensitivity 0.72 and precision 0.9)]. The same nucleotide change resulting in the same amino acid change has been previously reported to be associated with CYP21A2 related disorder (PMID: 11598371). However, the evidence of pathogenicity is insufficient at this time. Therefore, this variant is classified as VUS according to the recommendation of ACMG/AMP guideline.

Literature cited by the submitters: PubMed 11598371.